The following is an entry in ClinVar:

NM_001379451.1(BCORL1):c.3316C>T (p.Gln1106Ter)

Gene: BCORL1 (BCL6 corepressor like 1; plus strand). Cytogenetic location: Xq26.1.
Variant type: single nucleotide variant.
Coding change: c.3316C>T on transcript NM_001379451.1 (MANE Select); coding-DNA position 3316, C replaced by T.
Protein change: p.Gln1106Ter; replaces glutamine 1106 with a stop codon.
Molecular consequence: nonsense.
Genome position (GRCh38, 1-based): chrX:130,016,088, C>T. VCF-style: chrX-130016088-C-T. GRCh37 (hg19) VCF-style: chrX-129150064-C-T.
Other names: c.3316C>T, p.Gln1106Ter (NM_001184772.3, NM_001379450.1, NM_001441326.1 and 7 more transcripts); short protein forms Q1106*.
Identifiers: ClinVar variation 5016759 (VCV005016759.1).

ClinVar aggregate classification (germline): Uncertain significance (1 of 4 stars; one submission).

Submission:

GeneDx
Classification: Uncertain significance. Last evaluated: 2026-03-26. Review status: criteria provided, single submitter. Criteria: GeneDx Variant Classification Process June 2021. Collection method: clinical testing. Allele origin: germline.
Comment: Nonsense variant predicted to result in protein truncation or nonsense mediated decay in a gene or region of a gene for which loss of function is not a well-established mechanism of disease; Not observed at significant frequency in large population cohorts (gnomAD); Has not been previously published as pathogenic or benign to our knowledge